The following is an entry in ClinVar:

NM_000038.6(APC):c.6851C>G (p.Pro2284Arg)

Gene: APC (APC regulator of Wnt signaling pathway; plus strand). Cytogenetic location: 5q22.2.
Variant type: single nucleotide variant.
Coding change: c.6851C>G on transcript NM_000038.6 (MANE Select); coding-DNA position 6851, C replaced by G.
Protein change: p.Pro2284Arg; replaces proline 2284 with arginine.
Molecular consequence: missense variant. On other transcripts: non-coding transcript variant (2).
Genome position (GRCh38, 1-based): chr5:112,842,445, C>G. VCF-style: chr5-112842445-C-G. GRCh37 (hg19) VCF-style: chr5-112178142-C-G.
Other names: c.6851C>G, p.Pro2284Arg (NM_001407450.1, NM_001127510.3, NM_001354895.2); c.6830C>G, p.Pro2277Arg (NM_001407451.1); c.6821C>G, p.Pro2274Arg (NM_001407452.1); c.6674C>G, p.Pro2225Arg (NM_001407453.1, NM_001354901.2); c.6602C>G, p.Pro2201Arg (NM_001407454.1, NM_001407455.1, NM_001407456.1 and 1 more transcripts); c.6548C>G, p.Pro2183Arg (NM_001407458.1, NM_001407459.1, NM_001407460.1 and 1 more transcripts); c.6464C>G, p.Pro2155Arg (NM_001407467.1, NM_001407469.1); c.6002C>G, p.Pro2001Arg (NM_001407470.1, NM_001354906.2); and 11 more; short protein forms P1900R, P2001R, P2277R, P2155R, P2201R, P2302R, P2124R, P2158R.
Identifiers: ClinVar variation 4576573 (VCV004576573.1).

ClinVar aggregate classification (germline): Uncertain significance (1 of 4 stars; one submission).

Conditions:
Hereditary cancer-predisposing syndrome. Also called: Neoplastic Syndromes, Hereditary; Tumor predisposition; Hereditary Cancer Syndrome; Hereditary neoplastic syndrome. Identifiers: Orphanet 140162, MedGen C0027672, MeSH D009386, MONDO:0015356.

gnomAD v4.1: 1 of 1,613,984 alleles (0.000062%); highest among the groups gnomAD compares: African/African-American, 0.0013%; no homozygotes.

Submission:

Ambry Genetics
Classification: Uncertain significance for Hereditary cancer-predisposing syndrome. Last evaluated: 2025-09-19. Review status: criteria provided, single submitter. Criteria: Ambry Variant Classification Scheme 2023. Collection method: clinical testing. Allele origin: germline.
Comment: The p.P2284R variant (also known as c.6851C>G), located in coding exon 15 of the APC gene, results from a C to G substitution at nucleotide position 6851. The proline at codon 2284 is replaced by arginine, an amino acid with dissimilar properties. This amino acid position is conserved. In addition, in silico predictors for this gene do not accurately predict pathogenicity. Based on the available evidence, the clinical significance of this variant remains unclear.